The following is an entry in ClinVar:

NM_016464.5(TMEM138):c.307del (p.Arg103fs)

Gene: TMEM138 (transmembrane protein 138; plus strand). Cytogenetic location: 11q12.2.
Variant type: Deletion.
Coding change: c.307del on transcript NM_016464.5 (MANE Select); coding-DNA position 307, one base deleted (C; older notation c.307delC).
Protein change: p.Arg103fs; shifts the reading frame from arginine 103.
Molecular consequence: frameshift variant. On other transcripts: non-coding transcript variant (1).
Genome position (GRCh38, 1-based): chr11:61,367,929, C deleted. VCF-style (leftmost placement, unchanged base first): chr11-61367928-AC-A. GRCh37 (hg19) VCF-style: chr11-61135400-AC-A.
Other names: c.133del, p.Arg45fs (NM_001330281.2); c.307delC, p.Arg103Alafs (NM_001410997.1, NM_001410998.1, NM_001410999.1); short protein forms R45fs, R103fs.
Identifiers: ClinVar variation 2046391 (VCV002046391.33), dbSNP rs2539869968, ClinGen allele CA2573332121.
Genomic context (GRCh38, chr11:61,367,928, plus strand): 5'-AGACATTAGGGCTTCTTGTGGCCATTAACTTTTGTGTATCTCACATCTCCTTCAGAACTT[AC>A]GCTGGAAAAACTCCAACAGCTTCATATGGACAGATGGACTTCAAATGCTGTTTGTATTCC-3'

ClinVar aggregate classification (germline): Pathogenic/Likely pathogenic. Review status: criteria provided, multiple submitters, no conflicts (2 of 4 stars). 3 submissions from 3 submitters: Pathogenic (1); Likely pathogenic (2). Last evaluated 2023-01-01.

Conditions:
TMEM138-related disorder. Also called: TMEM138-related condition.
Joubert syndrome 16 (JBTS16). Identifiers: Orphanet 2318, MedGen C3280906, MONDO:0013764, OMIM 614465.

Allele frequency attached by ClinVar (database versions not stated): gnomAD exomes 0.00001.

Submissions (3):

CeGaT Center for Human Genetics Tuebingen
Classification: Likely pathogenic. Last evaluated: 2023-01-01. Review status: criteria provided, single submitter. Criteria: CeGaT Center For Human Genetics Tuebingen Variant Classification Criteria Version 2. Collection method: clinical testing. Allele origin: germline. Affected: yes. Observed: 1 variant allele.
Comment: TMEM138: PP4:Strong, PM2, PM3

Labcorp Genetics (formerly Invitae), Labcorp
Classification: Pathogenic for Joubert syndrome 16. Last evaluated: 2022-04-18. Review status: criteria provided, single submitter. Criteria: Invitae Variant Classification Sherloc (09022015). Collection method: clinical testing. Allele origin: germline.
Comment: This sequence change creates a premature translational stop signal (p.Arg103Alafs*23) in the TMEM138 gene. While this is not anticipated to result in nonsense mediated decay, it is expected to disrupt the last 60 amino acid(s) of the TMEM138 protein. For these reasons, this variant has been classified as Pathogenic. This variant disrupts a region of the TMEM138 protein in which other variant(s) (p.Ala126Thr) have been determined to be pathogenic (PMID: 22282472). This suggests that this is a clinically significant region of the protein, and that variants that disrupt it are likely to be disease-causing. This premature translational stop signal has been observed in individual(s) with Joubert syndrome and related disorders (PMID: 26489029, 32404165). This variant is not present in population databases (gnomAD no frequency).

Blueprint Genetics
Classification: Likely pathogenic for TMEM138-related disorders. Last evaluated: 2021-10-06. Review status: criteria provided, single submitter. Criteria: ACMG Guidelines, 2015. Collection method: clinical testing. Allele origin: germline. Affected: yes. Observed: 1 variant allele.

Literature cited by the submitters: PubMed 22282472 (cited by Labcorp Genetics (formerly Invitae), Labcorp); PubMed 26489029 (cited by Labcorp Genetics (formerly Invitae), Labcorp); PubMed 32404165 (cited by Labcorp Genetics (formerly Invitae), Labcorp).